The following is an entry in ClinVar:

NM_005251.3(FOXC2):c.374C>G (p.Ser125Trp)

Genes: FOXC2 (forkhead box C2; plus strand), FOXC2-AS1 (FOXC2 antisense RNA 1; minus strand). Cytogenetic location: 16q24.1.
Variant type: single nucleotide variant.
Coding change: c.374C>G on transcript NM_005251.3 (MANE Select); coding-DNA position 374, C replaced by G.
Protein change: p.Ser125Trp; replaces serine 125 with tryptophan.
Molecular consequence: missense variant. On other transcripts: non-coding transcript variant (1).
Genome position (GRCh38, 1-based): chr16:86,567,709, C>G. VCF-style: chr16-86567709-C-G. GRCh37 (hg19) VCF-style: chr16-86601315-C-G.
Other names: short protein forms S125W.
Identifiers: ClinVar variation 4538647 (VCV004538647.1).

ClinVar aggregate classification (germline): Uncertain significance (1 of 4 stars; one submission).

Submission:

GeneDx
Classification: Uncertain significance. Last evaluated: 2025-06-13. Review status: criteria provided, single submitter. Criteria: GeneDx Variant Classification Process June 2021. Collection method: clinical testing. Allele origin: germline. Affected: yes.
Comment: Not observed at significant frequency in large population cohorts (gnomAD); In silico analysis supports that this missense variant has a deleterious effect on protein structure/function; Has not been previously published as pathogenic or benign to our knowledge; This variant is associated with the following publications: (PMID: 12114478, 19760751, 29906362)